The following is an entry in ClinVar:

NM_032444.4(SLX4):c.1169G>T (p.Ser390Ile)

Gene: SLX4 (SLX4 structure-specific endonuclease subunit; minus strand). Cytogenetic location: 16p13.3.
Variant type: single nucleotide variant.
Coding change: c.1169G>T on transcript NM_032444.4 (MANE Select); coding-DNA position 1169, G replaced by T.
Protein change: p.Ser390Ile; replaces serine 390 with isoleucine.
Molecular consequence: missense variant.
Genome position (GRCh38, 1-based): chr16:3,597,994, C>A on the plus strand (G>T on the coding strand, the complement: SLX4 is on the minus strand). VCF-style: chr16-3597994-C-A. GRCh37 (hg19) VCF-style: chr16-3647995-C-A.
Other names: c.1169G>T (LRG_503t1); short protein forms S390I.
Identifiers: ClinVar variation 526318 (VCV000526318.6), dbSNP rs775559576, ClinGen allele CA7866602.
Genomic context (GRCh38, chr16:3,597,994, plus strand): 5'-CTCTTCCGTGGCTCCTTCTTGCTGGTGGGTCCTCTCCGTTTCAGACCTCTACTGTGATCA[C>A]TGAAGCTAGAAAACAGCCAAAGAGAAAAGTTACTGGGGCTAGAGGAGTGCACGCTTCTCA-3'
Protein context (NP_115820.2, residues 380-400): GSSSPPMFSF[Ser390Ile]DHSRGLKRRG

ClinVar aggregate classification (germline): Uncertain significance. Review status: criteria provided, multiple submitters, no conflicts (2 of 4 stars). 2 submissions from 2 submitters: Uncertain significance (2). Last evaluated 2023-12-28.

Conditions:
Fanconi anemia complementation group P. Also called: SLX4-Related Fanconi Anemia. Identifiers: Orphanet 84, MedGen C3469542, MONDO:0013499, OMIM 613951.
Fanconi anemia (FA). Also called: Fanconi's anemia. Identifiers: Orphanet 84, MedGen C0015625, MeSH D005199, MONDO:0019391.

Allele frequency attached by ClinVar (database versions not stated): ExAC 0.00001; gnomAD exomes 0.00001 and 0.00004; gnomAD 0.00003; TOPMed 0.00003.
gnomAD v4.1: 18 of 1,614,062 alleles (0.0011%); highest among the groups gnomAD compares: Admixed American, 0.022%; no homozygotes.

Submissions (2):

Fulgent Genetics
Classification: Uncertain significance for Fanconi anemia complementation group P. Last evaluated: 2023-12-28. Review status: criteria provided, single submitter. Criteria: ACMG Guidelines, 2015. Collection method: clinical testing. Allele origin: germline.

Labcorp Genetics (formerly Invitae), Labcorp
Classification: Uncertain significance for Fanconi anemia. Last evaluated: 2021-09-10. Review status: criteria provided, single submitter. Criteria: Invitae Variant Classification Sherloc (09022015). Collection method: clinical testing. Allele origin: germline.
Comment: This sequence change replaces serine with isoleucine at codon 390 of the SLX4 protein (p.Ser390Ile). The serine residue is moderately conserved and there is a large physicochemical difference between serine and isoleucine. This variant is present in population databases (rs775559576, ExAC 0.009%). This variant has not been reported in the literature in individuals affected with SLX4-related conditions. Algorithms developed to predict the effect of missense changes on protein structure and function are either unavailable or do not agree on the potential impact of this missense change (SIFT: "Deleterious"; PolyPhen-2: "Probably Damaging"; Align-GVGD: "Class C0"). In summary, the available evidence is currently insufficient to determine the role of this variant in disease. Therefore, it has been classified as a Variant of Uncertain Significance.